The following is an entry in ClinVar:

ClinVar aggregate classification (germline): Uncertain significance (1 of 4 stars; one submission).

gnomAD v4.1: 1 of 1,613,998 alleles (0.000062%); highest among the groups gnomAD compares: Non-Finnish European, 0.000085%; no homozygotes.

Submission:

Mayo Clinic Laboratories, Mayo Clinic
Classification: Uncertain significance. Last evaluated: 2025-08-13. Review status: criteria provided, single submitter. Criteria: ACMG Guidelines, 2015. Collection method: clinical testing. Allele origin: germline. Observed: 1 variant allele.
Comment: PP3_strong, PM2_supporting

NM_153704.6(TMEM67):c.2068T>G (p.Phe690Val)

Gene: TMEM67 (transmembrane protein 67; plus strand). Cytogenetic location: 8q22.1.
Variant type: single nucleotide variant.
Coding change: c.2068T>G on transcript NM_153704.6 (MANE Select); coding-DNA position 2068, T replaced by G.
Protein change: p.Phe690Val; replaces phenylalanine 690 with valine.
Molecular consequence: missense variant. On other transcripts: non-coding transcript variant (1).
Genome position (GRCh38, 1-based): chr8:93,797,438, T>G. VCF-style: chr8-93797438-T-G. GRCh37 (hg19) VCF-style: chr8-94809666-T-G.
Other names: p.Phe690Val; c.1825T>G, p.Phe609Val (NM_001142301.1); short protein forms F609V, F690V.
Identifiers: ClinVar variation 4541383 (VCV004541383.1).